The following is an entry in ClinVar:

ClinVar aggregate classification (germline): Uncertain significance. Review status: criteria provided, multiple submitters, no conflicts (2 of 4 stars). 3 submissions from 3 submitters: Uncertain significance (3). Last evaluated 2023-10-17.

Conditions:
Autosomal recessive cerebellar ataxia-saccadic intrusion syndrome. Also called: SPINOCEREBELLAR ATAXIA 24; VPS13D Movement Disorder. Identifiers: Orphanet 95434, MedGen C1846492, MONDO:0011811, OMIM 607317.

Allele frequency attached by ClinVar (database versions not stated): gnomAD 0.00001; gnomAD exomes 0.00002 and 0.00005; ExAC 0.00004.
gnomAD v4.1: 26 of 1,613,998 alleles (0.0016%); highest among the groups gnomAD compares: South Asian, 0.027%; no homozygotes.

Submissions (3):

Labcorp Genetics (formerly Invitae), Labcorp
Classification: Uncertain significance. Last evaluated: 2023-10-17. Review status: criteria provided, single submitter. Criteria: Invitae Variant Classification Sherloc (09022015). Collection method: clinical testing. Allele origin: germline.
Comment: This sequence change replaces glutamic acid, which is acidic and polar, with glutamine, which is neutral and polar, at codon 3310 of the VPS13D protein (p.Glu3310Gln). This variant is present in population databases (rs756615407, gnomAD 0.04%). This variant has not been reported in the literature in individuals affected with VPS13D-related conditions. ClinVar contains an entry for this variant (Variation ID: 1306077). Advanced modeling of protein sequence and biophysical properties (such as structural, functional, and spatial information, amino acid conservation, physicochemical variation, residue mobility, and thermodynamic stability) has been performed at Invitae for this missense variant, however the output from this modeling did not meet the statistical confidence thresholds required to predict the impact of this variant on VPS13D protein function. In summary, the available evidence is currently insufficient to determine the role of this variant in disease. Therefore, it has been classified as a Variant of Uncertain Significance.

GeneDx
Classification: Uncertain significance. Last evaluated: 2019-06-11. Review status: criteria provided, single submitter. Criteria: GeneDx Variant Classification Process June 2021. Collection method: clinical testing. Allele origin: germline. Affected: yes.
Comment: In silico analysis, which includes protein predictors and evolutionary conservation, supports that this variant does not alter protein structure/function; Has not been previously published as pathogenic or benign to our knowledge

Neuberg Centre For Genomic Medicine, NCGM
Classification: Uncertain significance for Autosomal recessive cerebellar ataxia-saccadic intrusion syndrome. Review status: criteria provided, single submitter. Criteria: ACMG Guidelines, 2015. Collection method: clinical testing. Allele origin: germline. Inheritance: Autosomal recessive inheritance. Affected: yes.
Comment: The missense variant c.9928G>C (p.Glu3310Gln) in VPS13D gene has not been reported previously as a pathogenic variant nor as a benign variant, to our knowledge. The p.Glu3310Gln variant is reported with the allele frequency of 0.004783% in gnomAD Exomes and is novel (not in any individuals) in1000 Genomes. This variant has been reported as uncertain significance to the ClinVar database. The amino acid Glu at position 3310 is changed to a Gln changing protein sequence and it might alter its composition and physico-chemical properties. The amino acid change p.Glu3310Gln in VPS13D is predicted as conserved by GERP++ and PhyloP across 100 vertebrates. For these reasons, this variant has been classified as Uncertain Significance.

NM_015378.4(VPS13D):c.9928G>C (p.Glu3310Gln)

Gene: VPS13D (vacuolar protein sorting 13 homolog D; plus strand). Cytogenetic location: 1p36.22.
Variant type: single nucleotide variant.
Coding change: c.9928G>C on transcript NM_015378.4 (MANE Select); coding-DNA position 9928, G replaced by C.
Protein change: p.Glu3310Gln; replaces glutamic acid 3310 with glutamine.
Molecular consequence: missense variant.
Genome position (GRCh38, 1-based): chr1:12,356,454, G>C. VCF-style: chr1-12356454-G-C. GRCh37 (hg19) VCF-style: chr1-12416511-G-C.
Other names: c.9853G>C, p.Glu3285Gln (NM_018156.4); short protein forms E3285Q, E3310Q.
Identifiers: ClinVar variation 1306077 (VCV001306077.5), dbSNP rs756615407, ClinGen allele CA603547.